The following is an entry in ClinVar:

NM_001658.4(ARF1):c.295C>T (p.Arg99Cys)

Genes: ARF1 (ARF GTPase 1; plus strand), LOC126806039 (CDK7 strongly-dependent group 2 enhancer GRCh37_chr1:228284937-228286136; plus strand). Cytogenetic location: 1q42.13.
Variant type: single nucleotide variant.
Coding change: c.295C>T on transcript NM_001658.4 (MANE Select); coding-DNA position 295, C replaced by T.
Protein change: p.Arg99Cys; replaces arginine 99 with cysteine.
Molecular consequence: missense variant.
Genome position (GRCh38, 1-based): chr1:228,097,626, C>T. VCF-style: chr1-228097626-C-T. GRCh37 (hg19) VCF-style: chr1-228285327-C-T.
Other names: c.295C>T, p.Arg99Cys (NM_001024226.2, NM_001024227.1, NM_001024228.2); short protein forms R99C.
Identifiers: ClinVar variation 1343805 (VCV001343805.1), dbSNP rs2124857939, ClinGen allele CA345078901.

ClinVar aggregate classification (germline): Likely pathogenic (1 of 4 stars; one submission).

Conditions:
Periventricular nodular heterotopia 8. Identifiers: MedGen C4748602, MONDO:0032588, OMIM 618185.

Submission:

Groupe Hospitalier Pitie Salpetriere, Uf Genomique Du Developpement, Assistance Publique Hopitaux de Paris Sorbonne Université
Classification: Likely pathogenic for Periventricular nodular heterotopia 8. Last evaluated: 2022-03-12. Review status: criteria provided, single submitter. Criteria: ACMG Guidelines, 2015. Collection method: clinical testing. Allele origin: unknown. Affected: yes.
Comment: PM2, PM5, PP3, PP2